The following is an entry in ClinVar:

NM_023067.4(FOXL2):c.647C>T (p.Ala216Val)

Gene: FOXL2 (forkhead box L2; minus strand). Cytogenetic location: 3q22.3.
Variant type: single nucleotide variant.
Coding change: c.647C>T on transcript NM_023067.4 (MANE Select); coding-DNA position 647, C replaced by T.
Protein change: p.Ala216Val; replaces alanine 216 with valine.
Molecular consequence: missense variant.
Genome position (GRCh38, 1-based): chr3:138,946,076, G>A on the plus strand (C>T on the coding strand, the complement: FOXL2 is on the minus strand). VCF-style: chr3-138946076-G-A. GRCh37 (hg19) VCF-style: chr3-138664918-G-A.
Other names: short protein forms A216V.
Identifiers: ClinVar variation 369920 (VCV000369920.3), dbSNP rs565208053, ClinGen allele CA10654875.
Genomic context (GRCh38, chr3:138,946,076, plus strand): 5'-GGGCCCGCGGCTGCAGCCGCAGCTGCTGCAGCCGCTGCGGCTGCCGCCATCTGGCAGGAG[G>A]CATAGGGCATGGGTGAGGGAGGCTGCGGTAGCGGCCACGAGTTGTTGAGGAAGCCAGACT-3'
Protein context (NP_075555.1, residues 206-226): LPQPPSPMPY[Ala216Val]SCQMAAAAAA

ClinVar aggregate classification (germline): Uncertain significance. Review status: criteria provided, multiple submitters, no conflicts (2 of 4 stars). 2 submissions from 2 submitters: Uncertain significance (2). Last evaluated 2024-11-04.

Conditions:
Blepharophimosis, ptosis, and epicanthus inversus syndrome. Identifiers: Orphanet 126, MedGen C0220663, MONDO:0007201, OMIM 110100.

Allele frequency attached by ClinVar (database versions not stated): gnomAD exomes 0.00001 and 0.00003; gnomAD 0.00002 and 0.00003; TOPMed 0.00003; 1000 Genomes Project 30x 0.00016; 1000 Genomes Project 0.00020.

Submissions (2):

Labcorp Genetics (formerly Invitae), Labcorp
Classification: Uncertain significance. Last evaluated: 2024-11-04. Review status: criteria provided, single submitter. Criteria: Invitae Variant Classification Sherloc (09022015). Collection method: clinical testing. Allele origin: germline.
Comment: This sequence change replaces alanine, which is neutral and non-polar, with valine, which is neutral and non-polar, at codon 216 of the FOXL2 protein (p.Ala216Val). The frequency data for this variant in the population databases is considered unreliable, as metrics indicate poor data quality at this position in the gnomAD database. This variant has not been reported in the literature in individuals affected with FOXL2-related conditions. ClinVar contains an entry for this variant (Variation ID: 369920). An algorithm developed to predict the effect of missense changes on protein structure and function (PolyPhen-2) suggests that this variant is likely to be disruptive. In summary, the available evidence is currently insufficient to determine the role of this variant in disease. Therefore, it has been classified as a Variant of Uncertain Significance.

Genomic Diagnostic Laboratory, Division of Genomic Diagnostics, Children's Hospital of Philadelphia
Classification: Uncertain significance for Blepharophimosis, ptosis, and epicanthus inversus syndrome. Last evaluated: 2016-11-03. Review status: criteria provided, single submitter. Criteria: DGD Variant Analysis Guidelines. Collection method: clinical testing. Allele origin: germline. Affected: yes. Observed: 1 variant allele.
Comment: Clinical Testing